The following is an entry in ClinVar:

ClinVar aggregate classification (germline): Uncertain significance. Review status: criteria provided, multiple submitters, no conflicts (2 of 4 stars). 3 submissions from 3 submitters: Uncertain significance (3). Last evaluated 2024-03-08.

Allele frequency attached by ClinVar (database versions not stated): gnomAD exomes 0.00004 and 0.00010; TOPMed 0.00005; ExAC 0.00008; ESP Exome Variant Server 0.00008.
gnomAD v4.1: 66 of 1,602,834 alleles (0.0041%); highest among the groups gnomAD compares: Admixed American, 0.013%; no homozygotes.

Submissions (3):

Blueprint Genetics
Classification: Uncertain significance. Last evaluated: 2024-03-08. Review status: criteria provided, single submitter. Criteria: ACMG Guidelines, 2015. Collection method: clinical testing. Allele origin: germline.

Labcorp Genetics (formerly Invitae), Labcorp
Classification: Uncertain significance. Last evaluated: 2022-08-22. Review status: criteria provided, single submitter. Criteria: Invitae Variant Classification Sherloc (09022015). Collection method: clinical testing. Allele origin: germline.
Comment: This sequence change replaces threonine, which is neutral and polar, with alanine, which is neutral and non-polar, at codon 372 of the ASAH1 protein (p.Thr372Ala). This variant is present in population databases (rs201151177, gnomAD 0.1%). This variant has not been reported in the literature in individuals affected with ASAH1-related conditions. ClinVar contains an entry for this variant (Variation ID: 1424819). Algorithms developed to predict the effect of missense changes on protein structure and function output the following: SIFT: "Tolerated"; PolyPhen-2: "Benign"; Align-GVGD: "Class C0". The alanine amino acid residue is found in multiple mammalian species, which suggests that this missense change does not adversely affect protein function. Algorithms developed to predict the effect of sequence changes on RNA splicing suggest that this variant may create or strengthen a splice site. In summary, the available evidence is currently insufficient to determine the role of this variant in disease. Therefore, it has been classified as a Variant of Uncertain Significance.

GeneDx
Classification: Uncertain significance. Last evaluated: 2022-01-31. Review status: criteria provided, single submitter. Criteria: GeneDx Variant Classification Process June 2021. Collection method: clinical testing. Allele origin: germline. Affected: yes.
Comment: In silico analysis supports that this missense variant does not alter protein structure/function; Has not been previously published as pathogenic or benign to our knowledge

NM_177924.5(ASAH1):c.1114A>G (p.Thr372Ala)

Gene: ASAH1 (N-acylsphingosine amidohydrolase 1; minus strand). Cytogenetic location: 8p22.
Variant type: single nucleotide variant.
Coding change: c.1114A>G on transcript NM_177924.5 (MANE Select); coding-DNA position 1114, A replaced by G.
Protein change: p.Thr372Ala; replaces threonine 372 with alanine.
Molecular consequence: missense variant.
Genome position (GRCh38, 1-based): chr8:18,057,608, T>C on the plus strand (A>G on the coding strand, the complement: ASAH1 is on the minus strand). VCF-style: chr8-18057608-T-C. GRCh37 (hg19) VCF-style: chr8-17915117-T-C.
Other names: c.1096A>G, p.Thr366Ala (NM_001127505.3); c.919A>G, p.Thr307Ala (NM_001363743.2); c.1162A>G, p.Thr388Ala (NM_004315.6); short protein forms T366A, T388A, T307A, T372A.
Identifiers: ClinVar variation 1424819 (VCV001424819.5), dbSNP rs201151177, ClinGen allele CA4650505.
Genomic context (GRCh38, chr8:18,057,608, plus strand): 5'-AAGGGTCAGGGCAGTCCCGCAGGTAAGTTTCGAATTGACCTTTGGTAACATCTATCAAGG[T>C]TGTGTATACGGTCAGCTGAAAGAAAAGTTATTTTTACTTTAAGGACGTTTTCAATTCAGA-3'
Protein context (NP_808592.2, residues 362-382): PVLNKLTVYT[Thr372Ala]LIDVTKGQFE